The following is an entry in ClinVar:

NM_022455.5(NSD1):c.3757A>T (p.Ile1253Phe)

Gene: NSD1 (nuclear receptor binding SET domain protein 1; plus strand). Cytogenetic location: 5q35.3.
Variant type: single nucleotide variant.
Coding change: c.3757A>T on transcript NM_022455.5 (MANE Select); coding-DNA position 3757, A replaced by T.
Protein change: p.Ile1253Phe; replaces isoleucine 1253 with phenylalanine.
Molecular consequence: missense variant.
Genome position (GRCh38, 1-based): chr5:177,212,156, A>T. VCF-style: chr5-177212156-A-T. GRCh37 (hg19) VCF-style: chr5-176639157-A-T.
Other names: c.2884A>T, p.Ile962Phe (NM_001409308.1, NM_001409309.1, NM_172349.5 and 3 more transcripts); c.3757A>T, p.Ile1253Phe (NM_001409301.1, NM_001409302.1, NM_001409303.1); c.3337A>T, p.Ile1113Phe (NM_001409304.1); c.3004A>T, p.Ile1002Phe (NM_001409305.1); short protein forms I962F, I1113F, I1002F, I1253F.
Identifiers: ClinVar variation 3631984 (VCV003631984.2).

ClinVar aggregate classification (germline): Uncertain significance (1 of 4 stars; one submission).

Submission:

Labcorp Genetics (formerly Invitae), Labcorp
Classification: Uncertain significance. Last evaluated: 2024-07-04. Review status: criteria provided, single submitter. Criteria: Invitae Variant Classification Sherloc (09022015). Collection method: clinical testing. Allele origin: germline.
Comment: This sequence change replaces isoleucine, which is neutral and non-polar, with phenylalanine, which is neutral and non-polar, at codon 1253 of the NSD1 protein (p.Ile1253Phe). This variant is not present in population databases (gnomAD no frequency). This variant has not been reported in the literature in individuals affected with NSD1-related conditions. Advanced modeling of protein sequence and biophysical properties (such as structural, functional, and spatial information, amino acid conservation, physicochemical variation, residue mobility, and thermodynamic stability) performed at Invitae indicates that this missense variant is not expected to disrupt NSD1 protein function with a negative predictive value of 95%. In summary, the available evidence is currently insufficient to determine the role of this variant in disease. Therefore, it has been classified as a Variant of Uncertain Significance.